The following is an entry in ClinVar:

ClinVar aggregate classification (germline): Uncertain significance (1 of 4 stars; one submission).

Submission:

GeneDx
Classification: Uncertain significance. Last evaluated: 2024-03-13. Review status: criteria provided, single submitter. Criteria: GeneDx Variant Classification Process June 2021. Collection method: clinical testing. Allele origin: germline. Affected: yes.
Comment: Not observed at significant frequency in large population cohorts (gnomAD); In silico analysis supports that this missense variant has a deleterious effect on protein structure/function; Has not been previously published as pathogenic or benign to our knowledge

NM_001367873.1(SOX6):c.562G>C (p.Glu188Gln)

Gene: SOX6 (SRY-box transcription factor 6; minus strand). Cytogenetic location: 11p15.2.
Variant type: single nucleotide variant.
Coding change: c.562G>C on transcript NM_001367873.1 (MANE Select); coding-DNA position 562, G replaced by C.
Protein change: p.Glu188Gln; replaces glutamic acid 188 with glutamine.
Molecular consequence: missense variant.
Genome position (GRCh38, 1-based): chr11:16,186,929, C>G on the plus strand (G>C on the coding strand, the complement: SOX6 is on the minus strand). VCF-style: chr11-16186929-C-G. GRCh37 (hg19) VCF-style: chr11-16208475-C-G.
Other names: c.562G>C, p.Glu188Gln (NM_001145811.2, NM_001145819.2, NM_001367872.1 and 2 more transcripts); short protein forms E188Q.
Identifiers: ClinVar variation 3370956 (VCV003370956.1).